The following is an entry in ClinVar:

NM_000059.4(BRCA2):c.3239A>T (p.Asp1080Val)

Gene: BRCA2 (BRCA2 DNA repair associated; plus strand). Cytogenetic location: 13q13.1.
Variant type: single nucleotide variant.
Coding change: c.3239A>T on transcript NM_000059.4 (MANE Select); coding-DNA position 3239, A replaced by T.
Protein change: p.Asp1080Val; replaces aspartic acid 1080 with valine.
Molecular consequence: missense variant.
Genome position (GRCh38, 1-based): chr13:32,337,594, A>T. VCF-style: chr13-32337594-A-T. GRCh37 (hg19) VCF-style: chr13-32911731-A-T.
Other names: c.3239A>T, p.Asp1080Val (NM_001406719.1, NM_001406720.1); short protein forms D1080V.
Identifiers: ClinVar variation 1704633 (VCV001704633.3), dbSNP rs2072475677, ClinGen allele CA387775940.

ClinVar aggregate classification (germline): Conflicting classifications of pathogenicity. Review status: criteria provided, conflicting classifications (1 of 4 stars). 2 submissions from 2 submitters: Uncertain significance (1); Likely benign (1). Last evaluated 2023-03-23.

Conditions:
Hereditary cancer-predisposing syndrome. Also called: Tumor predisposition; Neoplastic Syndromes, Hereditary; Hereditary Cancer Syndrome; Hereditary neoplastic syndrome. Identifiers: Orphanet 140162, MedGen C0027672, MeSH D009386, MONDO:0015356.

Submissions (2):

University of Washington Department of Laboratory Medicine, University of Washington
Classification: Likely benign for Hereditary cancer-predisposing syndrome. Last evaluated: 2023-03-23. Review status: criteria provided, single submitter. Criteria: Dines et al. (Genet Med. 2020). Collection method: curation. Allele origin: germline.
Comment: Missense variant in a coldspot region where missense variants are very unlikely to be pathogenic (PMID:31911673).

BRCA2 exon 11 coldspot. Reclassification based on statistical prior probability.

Women's Health and Genetics/Laboratory Corporation of America, LabCorp
Classification: Uncertain significance. Last evaluated: 2022-07-23. Review status: criteria provided, single submitter. Criteria: LabCorp Variant Classification Summary - May 2015. Collection method: clinical testing. Allele origin: germline.